The following is an entry in ClinVar:

NM_031885.5(BBS2):c.626T>C (p.Leu209Pro)

Gene: BBS2 (Bardet-Biedl syndrome 2; minus strand). Cytogenetic location: 16q13.
Variant type: single nucleotide variant.
Coding change: c.626T>C on transcript NM_031885.5 (MANE Select); coding-DNA position 626, T replaced by C.
Protein change: p.Leu209Pro; replaces leucine 209 with proline.
Molecular consequence: missense variant. On other transcripts: non-coding transcript variant (5).
Genome position (GRCh38, 1-based): chr16:56,506,211, A>G on the plus strand (T>C on the coding strand, the complement: BBS2 is on the minus strand). VCF-style: chr16-56506211-A-G. GRCh37 (hg19) VCF-style: chr16-56540123-A-G.
Other names: c.626T>C, p.Leu209Pro (NM_001377456.1); short protein forms L209P.
Identifiers: ClinVar variation 4526287 (VCV004526287.1).

ClinVar aggregate classification (germline): Uncertain significance (1 of 4 stars; one submission).

Submission:

Women's Health and Genetics/Laboratory Corporation of America, LabCorp
Classification: Uncertain significance. Last evaluated: 2025-07-22. Review status: criteria provided, single submitter. Criteria: LabCorp Variant Classification Summary - May 2015. Collection method: clinical testing. Allele origin: germline.
Comment: Variant summary: BBS2 c.626T>C (p.Leu209Pro) results in a non-conservative amino acid change in the encoded protein sequence. Algorithms developed to predict the effect of missense changes on protein structure and function all suggest that this variant is likely to be disruptive. The variant was absent in 251004 control chromosomes. c.626T>C has been observed in a homozygous individual affected with Bardet-Biedl Syndrome and a compound heterozygous individual affected with retinopathy (e.g. Bai_2021, Redin_2012). These data indicate that the variant may be associated with disease. To our knowledge, no experimental evidence demonstrating an impact on protein function has been reported. The following publications have been ascertained in the context of this evaluation (PMID: 33781268, 22773737). No submitters have cited clinical-significance assessments for this variant to ClinVar. Based on the evidence outlined above, the variant was classified as VUS-possibly pathogenic.

Literature cited by the submitters: PubMed 22773737; PubMed 33781268.